The following is an entry in ClinVar:

NM_000660.7(TGFB1):c.676G>A (p.Asp226Asn)

Gene: TGFB1 (transforming growth factor beta 1; minus strand). Cytogenetic location: 19q13.2.
Variant type: single nucleotide variant.
Coding change: c.676G>A on transcript NM_000660.7 (MANE Select); coding-DNA position 676, G replaced by A.
Protein change: p.Asp226Asn; replaces aspartic acid 226 with asparagine.
Molecular consequence: missense variant.
Genome position (GRCh38, 1-based): chr19:41,342,206, C>T on the plus strand (G>A on the coding strand, the complement: TGFB1 is on the minus strand). VCF-style: chr19-41342206-C-T. GRCh37 (hg19) VCF-style: chr19-41848111-C-T.
Other names: short protein forms D226N.
Identifiers: ClinVar variation 2963600 (VCV002963600.3), dbSNP rs202088345, ClinGen allele CA308569604.

ClinVar aggregate classification (germline): Uncertain significance (1 of 4 stars; one submission).

Allele frequency attached by ClinVar (database versions not stated): gnomAD exomes below 0.00001; TOPMed 0.00001; gnomAD 0.00003.
gnomAD v4.1: 5 of 1,607,826 alleles (0.00031%); highest among the groups gnomAD compares: African/African-American, 0.0054%; no homozygotes.

Submission:

Labcorp Genetics (formerly Invitae), Labcorp
Classification: Uncertain significance. Last evaluated: 2023-05-15. Review status: criteria provided, single submitter. Criteria: Invitae Variant Classification Sherloc (09022015). Collection method: clinical testing. Allele origin: germline.
Comment: In summary, the available evidence is currently insufficient to determine the role of this variant in disease. Therefore, it has been classified as a Variant of Uncertain Significance. Advanced modeling of protein sequence and biophysical properties (such as structural, functional, and spatial information, amino acid conservation, physicochemical variation, residue mobility, and thermodynamic stability) performed at Invitae indicates that this missense variant is not expected to disrupt TGFB1 protein function. This variant has not been reported in the literature in individuals affected with TGFB1-related conditions. This variant is present in population databases (rs202088345, gnomAD 0.05%). This sequence change replaces aspartic acid, which is acidic and polar, with asparagine, which is neutral and polar, at codon 226 of the TGFB1 protein (p.Asp226Asn).